The following is an entry in ClinVar:

ClinVar aggregate classification (germline): Uncertain significance. Review status: criteria provided, multiple submitters, no conflicts (2 of 4 stars). 3 submissions from 3 submitters: Uncertain significance (3). Last evaluated 2024-07-24.

Conditions:
Hereditary cancer-predisposing syndrome. Also called: Tumor predisposition; Hereditary neoplastic syndrome; Neoplastic Syndromes, Hereditary; Hereditary Cancer Syndrome. Identifiers: Orphanet 140162, MedGen C0027672, MeSH D009386, MONDO:0015356.
Familial cancer of breast. Also called: BREAST CANCER, FAMILIAL; Hereditary breast cancer; hereditary breast carcinoma. Identifiers: Orphanet 227535, MedGen C0346153, MONDO:0016419, OMIM 114480. Disease mechanism: loss of function.

Allele frequency attached by ClinVar (database versions not stated): gnomAD exomes below 0.00001.
gnomAD v4.1: 1 of 1,614,096 alleles (0.000062%); highest among the groups gnomAD compares: Non-Finnish European, 0.000085%; no homozygotes.

Submissions (3):

GeneDx
Classification: Uncertain significance. Last evaluated: 2024-07-24. Review status: criteria provided, single submitter. Criteria: GeneDx Variant Classification Process June 2021. Collection method: clinical testing. Allele origin: germline. Affected: yes.
Comment: Not observed at significant frequency in large population cohorts (gnomAD); In silico analysis supports that this missense variant has a deleterious effect on protein structure/function; Has not been previously published as pathogenic or benign to our knowledge; This variant is associated with the following publications: (PMID: 17550235)

Labcorp Genetics (formerly Invitae), Labcorp
Classification: Uncertain significance for Familial cancer of breast. Last evaluated: 2021-07-22. Review status: criteria provided, single submitter. Criteria: Invitae Variant Classification Sherloc (09022015). Collection method: clinical testing. Allele origin: germline.
Comment: This sequence change replaces proline with alanine at codon 747 of the BARD1 protein (p.Pro747Ala). The proline residue is highly conserved and there is a small physicochemical difference between proline and alanine. In summary, the available evidence is currently insufficient to determine the role of this variant in disease. Therefore, it has been classified as a Variant of Uncertain Significance. Algorithms developed to predict the effect of missense changes on protein structure and function are either unavailable or do not agree on the potential impact of this missense change (SIFT: "Deleterious"; PolyPhen-2: "Benign"; Align-GVGD: "Class C25"). This variant has not been reported in the literature in individuals with BARD1-related conditions. This variant is not present in population databases (ExAC no frequency).

Ambry Genetics
Classification: Uncertain significance for Hereditary cancer-predisposing syndrome. Last evaluated: 2020-09-24. Review status: criteria provided, single submitter. Criteria: Ambry Variant Classification Scheme 2023. Collection method: clinical testing. Allele origin: germline.
Comment: The p.P747A variant (also known as c.2239C>G), located in coding exon 11 of the BARD1 gene, results from a C to G substitution at nucleotide position 2239. The proline at codon 747 is replaced by alanine, an amino acid with highly similar properties. This amino acid position is highly conserved in available vertebrate species. In addition, this alteration is predicted to be tolerated by in silico analysis. Since supporting evidence is limited at this time, the clinical significance of this alteration remains unclear.

NM_000465.4(BARD1):c.2239C>G (p.Pro747Ala)

Gene: BARD1 (BRCA1 associated RING domain 1; minus strand). Cytogenetic location: 2q35.
Variant type: single nucleotide variant.
Coding change: c.2239C>G on transcript NM_000465.4 (MANE Select); coding-DNA position 2239, C replaced by G.
Protein change: p.Pro747Ala; replaces proline 747 with alanine.
Molecular consequence: missense variant. On other transcripts: non-coding transcript variant (3).
Genome position (GRCh38, 1-based): chr2:214,728,771, G>C on the plus strand (C>G on the coding strand, the complement: BARD1 is on the minus strand). VCF-style: chr2-214728771-G-C. GRCh37 (hg19) VCF-style: chr2-215593495-G-C.
Other names: c.2182C>G, p.Pro728Ala (NM_001282543.2); c.886C>G, p.Pro296Ala (NM_001282545.2); c.829C>G, p.Pro277Ala (NM_001282548.2); c.700C>G, p.Pro234Ala (NM_001282549.2); short protein forms P296A, P747A, P277A, P728A, P234A.
Identifiers: ClinVar variation 959301 (VCV000959301.14), dbSNP rs1574702322, ClinGen allele CA350450036.
Genomic context (GRCh38, chr2:214,728,771, plus strand): 5'-CACAGTCTATAAACCAGCTCGAAGGAGCCTTCCAGACTTTGCCCTGCCGAACCCTCTCTG[G>C]GTGATAATTACACAAATCTTCATAGATGATATACTGTGTGCAGAAGCGCTGATCAGAATC-3'
Protein context (NP_000456.2, residues 737-757): IIYEDLCNYH[Pro747Ala]ERVRQGKVWK